The following is an entry in ClinVar:

ClinVar aggregate classification (germline): Pathogenic. Review status: criteria provided, multiple submitters, no conflicts (2 of 4 stars). 2 submissions from 2 submitters: Pathogenic (2). Last evaluated 2023-04-19.

Conditions:
Intellectual developmental disorder, autosomal dominant 1. Also called: Intellectual disability, autosomal dominant 1; MBD5 Haploinsufficiency. Identifiers: Orphanet 228402, MedGen C1969562, MONDO:0007974, OMIM 156200.

Submissions (2):

Labcorp Genetics (formerly Invitae), Labcorp
Classification: Pathogenic for Intellectual developmental disorder, autosomal dominant 1. Last evaluated: 2023-04-19. Review status: criteria provided, single submitter. Criteria: Invitae Variant Classification Sherloc (09022015). Collection method: clinical testing. Allele origin: germline.
Comment: For these reasons, this variant has been classified as Pathogenic. ClinVar contains an entry for this variant (Variation ID: 1703242). This variant has not been reported in the literature in individuals affected with MBD5-related conditions. This variant is not present in population databases (gnomAD no frequency). This sequence change creates a premature translational stop signal (p.Trp1390*) in the MBD5 gene. It is expected to result in an absent or disrupted protein product. Loss-of-function variants in MBD5 are known to be pathogenic (PMID: 23422940, 23587880).

Broad Center for Mendelian Genomics, Broad Institute of MIT and Harvard
Classification: Pathogenic for Intellectual developmental disorder, autosomal dominant 1. Last evaluated: 2022-08-25. Review status: criteria provided, single submitter. Criteria: ACMG Guidelines, 2015. Collection method: curation. Allele origin: germline. Inheritance: Autosomal dominant inheritance. Affected: yes.
Comment: Trio exome analysis showed this variant to be de novo. The p.Trp1623Ter variant in MBD5 has not been previously reported in individuals with a neurodevelopmental disorder and was absent from large population studies. This nonsense variant leads to a premature termination codon at position 1623, which is predicted to lead to a truncated or absent protein. Heterozygous loss of function of the MBD5 gene is strongly associated to intellectual disability. In summary this variant meets criteria to be classified as pathogenic for autosomal dominant neurodevelopmental disorder. ACMG/AMP Criteria applied: PVS1, PS2_supporting, PM2_supporting (Richards 2015).

Literature cited by the submitters: PubMed 23422940 (cited by Labcorp Genetics (formerly Invitae), Labcorp); PubMed 23587880 (cited by Labcorp Genetics (formerly Invitae), Labcorp).

NM_001378120.1(MBD5):c.4869G>A (p.Trp1623Ter)

Gene: MBD5 (methyl-CpG binding domain protein 5; plus strand). Cytogenetic location: 2q23.1.
Variant type: single nucleotide variant.
Coding change: c.4869G>A on transcript NM_001378120.1 (MANE Select); coding-DNA position 4869, G replaced by A.
Protein change: p.Trp1623Ter; replaces tryptophan 1623 with a stop codon.
Molecular consequence: nonsense.
Genome position (GRCh38, 1-based): chr2:148,490,501, G>A. VCF-style: chr2-148490501-G-A. GRCh37 (hg19) VCF-style: chr2-149248070-G-A.
Other names: NM_018328.5:c.4170G>A; c.4170G>A, p.Trp1390Ter (NM_018328.5); short protein forms W1390*, W1623*.
Identifiers: ClinVar variation 1703242 (VCV001703242.4), dbSNP rs2470031191, ClinGen allele CA348731787.